The following is an entry in ClinVar:

NM_032830.3(UTP4):c.1600A>G (p.Ile534Val)

Gene: UTP4 (UTP4 small subunit processome component). Cytogenetic location: 16q22.1.
Variant type: single nucleotide variant.
Coding change: c.1600A>G on transcript NM_032830.3 (MANE Select); coding-DNA position 1600, A replaced by G.
Protein change: p.Ile534Val; replaces isoleucine 534 with valine.
Molecular consequence: missense variant.
Genome position (GRCh38, 1-based): chr16:69,163,131, A>G. VCF-style: chr16-69163131-A-G. GRCh37 (hg19) VCF-style: chr16-69197034-A-G.
Other names: c.1600A>G (NM_032830.2); c.1351A>G, p.Ile451Val (NM_001318391.2); short protein forms I451V, I534V.
Identifiers: ClinVar variation 3716350 (VCV003716350.3).

ClinVar aggregate classification (germline): Uncertain significance. Review status: criteria provided, multiple submitters, no conflicts (2 of 4 stars). 2 submissions from 2 submitters: Uncertain significance (2). Last evaluated 2025-11-14.

Conditions:
UTP4-related disorder. Also called: UTP4-related condition.

gnomAD v4.1: 93 of 1,614,108 alleles (0.0058%); highest among the groups gnomAD compares: East Asian, 0.067%; no homozygotes.

Submissions (2):

PreventionGenetics, part of Exact Sciences
Classification: Uncertain significance for UTP4-related condition. Last evaluated: 2025-11-14. Review status: criteria provided, single submitter. Criteria: ACMG Guidelines, 2015. Collection method: clinical testing. Allele origin: germline.
Comment: The UTP4 c.1600A>G variant is predicted to result in the amino acid substitution p.Ile534Val. To our knowledge, this variant has not been reported in the literature. This variant is reported in 0.020% of alleles in individuals of African descent in gnomAD. At this time, the clinical significance of this variant is uncertain due to the absence of conclusive functional and genetic evidence.

Labcorp Genetics (formerly Invitae), Labcorp
Classification: Uncertain significance. Last evaluated: 2025-01-24. Review status: criteria provided, single submitter. Criteria: Invitae Variant Classification Sherloc (09022015). Collection method: clinical testing. Allele origin: germline.
Comment: This sequence change replaces isoleucine, which is neutral and non-polar, with valine, which is neutral and non-polar, at codon 534 of the UTP4 protein (p.Ile534Val). This variant is present in population databases (rs193164904, gnomAD 0.02%). This variant has not been reported in the literature in individuals affected with UTP4-related conditions. Invitae Evidence Modeling of protein sequence and biophysical properties (such as structural, functional, and spatial information, amino acid conservation, physicochemical variation, residue mobility, and thermodynamic stability) indicates that this missense variant is not expected to disrupt UTP4 protein function with a negative predictive value of 80%. In summary, the available evidence is currently insufficient to determine the role of this variant in disease. Therefore, it has been classified as a Variant of Uncertain Significance.